The following is an entry in ClinVar:

ClinVar aggregate classification (germline): Uncertain significance (1 of 4 stars; one submission).

Submission:

GeneDx
Classification: Uncertain significance. Last evaluated: 2026-08-14. Review status: criteria provided, single submitter. Criteria: GeneDx Variant Classification Process June 2021. Collection method: clinical testing. Allele origin: germline.
Comment: Has not been previously published as pathogenic or benign to our knowledge; Not observed at significant frequency in large population cohorts (gnomAD); In silico analysis supports that this missense variant has a deleterious effect on protein structure/function

NM_002397.5(MEF2C):c.186G>A (p.Met62Ile)

Gene: MEF2C (myocyte enhancer factor 2C; minus strand). Cytogenetic location: 5q14.3.
Variant type: single nucleotide variant.
Coding change: c.186G>A on transcript NM_002397.5 (MANE Select); coding-DNA position 186, G replaced by A.
Protein change: p.Met62Ile; replaces methionine 62 with isoleucine.
Molecular consequence: missense variant.
Genome position (GRCh38, 1-based): chr5:88,804,670, C>T on the plus strand (G>A on the coding strand, the complement: MEF2C is on the minus strand). VCF-style: chr5-88804670-C-T. GRCh37 (hg19) VCF-style: chr5-88100487-C-T.
Other names: c.186G>A, p.Met62Ile (NM_001131005.2, NM_001193347.1, NM_001193348.1 and 29 more transcripts); short protein forms M62I.
Identifiers: ClinVar variation 3253393 (VCV003253393.2), dbSNP rs2531280721.